The following is an entry in ClinVar:

ClinVar aggregate classification (germline): Uncertain significance. Review status: criteria provided, multiple submitters, no conflicts (2 of 4 stars). 2 submissions from 2 submitters: Uncertain significance (2). Last evaluated 2023-11-27.

Allele frequency attached by ClinVar (database versions not stated): gnomAD exomes 0.00003 and 0.00004; ExAC 0.00005; gnomAD 0.00006 and 0.00007; TOPMed 0.00006; ESP Exome Variant Server 0.00008.
gnomAD v4.1: 50 of 1,612,704 alleles (0.0031%); highest among the groups gnomAD compares: Admixed American, 0.015%; no homozygotes.

Submissions (2):

Labcorp Genetics (formerly Invitae), Labcorp
Classification: Uncertain significance. Last evaluated: 2023-11-27. Review status: criteria provided, single submitter. Criteria: Invitae Variant Classification Sherloc (09022015). Collection method: clinical testing. Allele origin: germline.
Comment: This sequence change replaces arginine, which is basic and polar, with glutamine, which is neutral and polar, at codon 253 of the EDNRB protein (p.Arg253Gln). This variant is present in population databases (rs140514830, gnomAD 0.01%). This variant has not been reported in the literature in individuals affected with EDNRB-related conditions. ClinVar contains an entry for this variant (Variation ID: 504854). Advanced modeling of protein sequence and biophysical properties (such as structural, functional, and spatial information, amino acid conservation, physicochemical variation, residue mobility, and thermodynamic stability) performed at Invitae indicates that this missense variant is not expected to disrupt EDNRB protein function with a negative predictive value of 80%. In summary, the available evidence is currently insufficient to determine the role of this variant in disease. Therefore, it has been classified as a Variant of Uncertain Significance.

Laboratory for Molecular Medicine, Mass General Brigham Personalized Medicine
Classification: Uncertain significance. Last evaluated: 2017-05-03. Review status: criteria provided, single submitter. Criteria: LMM Criteria. Collection method: clinical testing. Allele origin: germline. Observed: 2 variant alleles.
Comment: The p.Arg343Gln variant in EDNRB has not been previously reported in individuals with hearing loss, but has been identified in several populations including 5/1 26336 European chromosomes by the Genome Aggregation Database (gnomAD; dbSNP rs140514830). Although this variant has been seen in the general population, its frequency is not high enough to rule out a patho genic role. Computational prediction tools and conservation analysis suggest tha t the p.Arg343Gln variant may not impact the protein, though this information is not predictive enough to rule out pathogenicity. In summary, the clinical signi ficance of the p.Arg343Gln variant is uncertain.

NM_001122659.3(EDNRB):c.758G>A (p.Arg253Gln)

Genes: EDNRB-AS1 (EDNRB antisense RNA 1; plus strand), EDNRB (endothelin receptor type B; minus strand). Cytogenetic location: 13q22.3.
Variant type: single nucleotide variant.
Coding change: c.758G>A on transcript NM_001122659.3 (MANE Select); coding-DNA position 758, G replaced by A.
Protein change: p.Arg253Gln; replaces arginine 253 with glutamine.
Molecular consequence: missense variant.
Genome position (GRCh38, 1-based): chr13:77,903,199, C>T on the plus strand (G>A on the coding strand, the complement: EDNRB is on the minus strand). VCF-style: chr13-77903199-C-T. GRCh37 (hg19) VCF-style: chr13-78477334-C-T.
Other names: c.758G>A, p.Arg253Gln (NM_000115.5, NM_003991.4); c.1028G>A, p.Arg343Gln (NM_001201397.2); short protein forms R253Q, R343Q.
Identifiers: ClinVar variation 504854 (VCV000504854.7), dbSNP rs140514830, ClinGen allele CA7012268.